The following is an entry in ClinVar:

NM_001042492.3(NF1):c.4236A>T (p.Arg1412Ser)

Gene: NF1 (neurofibromin 1; plus strand). Cytogenetic location: 17q11.2.
Variant type: single nucleotide variant.
Coding change: c.4236A>T on transcript NM_001042492.3 (MANE Select); coding-DNA position 4236, A replaced by T.
Protein change: p.Arg1412Ser; replaces arginine 1412 with serine.
Molecular consequence: missense variant.
Genome position (GRCh38, 1-based): chr17:31,258,406, A>T. VCF-style: chr17-31258406-A-T. GRCh37 (hg19) VCF-style: chr17-29585424-A-T.
Other names: c.4173A>T, p.Arg1391Ser (NM_000267.4); short protein forms R1391S, R1412S.
Identifiers: ClinVar variation 348 (VCV000000348.17), dbSNP rs137854554, ClinGen allele CA251459.

ClinVar aggregate classification (germline): Pathogenic/Likely pathogenic. Review status: criteria provided, multiple submitters, no conflicts (2 of 4 stars). 7 submissions from 7 submitters: Pathogenic (3); Likely pathogenic (2). 2 of the submissions do not count toward it. Last evaluated 2025-08-04.

Conditions:
Cardiovascular phenotype. Identifiers: MedGen CN230736.
Hereditary cancer-predisposing syndrome. Also called: Neoplastic Syndromes, Hereditary; Hereditary Cancer Syndrome; Tumor predisposition; Hereditary neoplastic syndrome. Identifiers: Orphanet 140162, MedGen C0027672, MeSH D009386, MONDO:0015356.
Neurofibromatosis, type 1 (NF1). Also called: VON RECKLINGHAUSEN DISEASE; NEUROFIBROMATOSIS, TYPE I, SOMATIC; Peripheral type neurofibromatosis; Neurofibromatosis, type I. Identifiers: Orphanet 636, MedGen C0027831, MONDO:0018975, OMIM 162200. Disease mechanism: loss of function.

Submissions (7):

Ambry Genetics
Classification: Pathogenic for Cardiovascular phenotype; Hereditary cancer-predisposing syndrome. Last evaluated: 2025-08-04. Review status: criteria provided, single submitter. Criteria: Ambry Variant Classification Scheme 2023. Collection method: clinical testing. Allele origin: germline.
Comment: The p.R1391S variant (also known as c.4173A>T), located in coding exon 31 of the NF1 gene, results from an A to T substitution at nucleotide position 4173. The arginine at codon 1391 is replaced by serine, an amino acid with dissimilar properties. This variant has been reported in at least two individuals with neurofibromatosis type 1 and has been shown to have reduction of GAP assisted GTP hydrolysis by Ras (Upadhyaya M et al. Hum. Genet., 1997 Jan;99:88-92; Evans DG et al. EBioMedicine, 2016 May;7:212-20). Other variant(s) at the same codon, p.R1391T (c.4172G>C) and p.R1391I (c.4172G>T), have been identified in individual(s) with features consistent with neurofibromatosis type 1 (van Minkelen R et al. Clin Genet, 2014 Apr;85:318-27; Xu W et al. Int J Mol Med, 2014 Jul;34:53-60; Evans DG et al. EBioMedicine, 2016 May;7:212-20). This variant is considered to be rare based on population cohorts in the Genome Aggregation Database (gnomAD). This amino acid position is highly conserved in available vertebrate species. In addition, this alteration is predicted to be deleterious by in silico analysis. Based on the supporting evidence, this variant is interpreted as a disease-causing mutation.

Labcorp Genetics (formerly Invitae), Labcorp
Classification: Pathogenic for Neurofibromatosis, type 1. Last evaluated: 2025-07-08. Review status: criteria provided, single submitter. Criteria: Invitae Variant Classification Sherloc (09022015). Collection method: clinical testing. Allele origin: germline.
Comment: This sequence change replaces arginine, which is basic and polar, with serine, which is neutral and polar, at codon 1391 of the NF1 protein (p.Arg1391Ser). This variant is not present in population databases (gnomAD no frequency). This missense change has been observed in individual(s) with neurofibromatosis type 1 (NF1) (PMID: 27322474). ClinVar contains an entry for this variant (Variation ID: 348). Invitae Evidence Modeling of protein sequence and biophysical properties (such as structural, functional, and spatial information, amino acid conservation, physicochemical variation, residue mobility, and thermodynamic stability) indicates that this missense variant is expected to disrupt NF1 protein function with a positive predictive value of 95%. Experimental studies have shown that this missense change affects NF1 function (PMID: 7581973, 9003501, 16513807, 22807134). This variant disrupts the p.Arg1391 amino acid residue in NF1. Other variant(s) that disrupt this residue have been determined to be pathogenic (PMID: 27322474; internal data). This suggests that this residue is clinically significant, and that variants that disrupt this residue are likely to be disease-causing. For these reasons, this variant has been classified as Pathogenic.

Genome-Nilou Lab
Classification: Likely pathogenic for Neurofibromatosis, type 1. Last evaluated: 2022-03-15. Review status: criteria provided, single submitter. Criteria: ACMG Guidelines, 2015. Collection method: clinical testing. Allele origin: germline. Affected: no.

ARUP Laboratories, Molecular Genetics and Genomics, ARUP Laboratories
Classification: Likely pathogenic. Last evaluated: 2020-12-23. Review status: criteria provided, single submitter. Criteria: ARUP Molecular Germline Variant Investigation Process 2021. Collection method: clinical testing. Allele origin: germline.
Comment: The NF1 c.4236A>T; p.Arg1412Ser variant (rs137854554), also known as c.4173A>T; p.Arg1391Ser for NM_000267, is reported in the literature in multiple individuals affected with neurofibromatosis (Evans 2016, Thomas 2012, Upadhyaya 1997). Functional analyses of the variant protein show a significant reduction in GTPase-activating activity and a reduced affinity for Ras (Thomas 2012, Upadhyaya 1997). This variant is also reported in ClinVar (Variation ID: 348). This variant is absent from general population databases (Exome Variant Server, Genome Aggregation Database), indicating it is not a common polymorphism. Additionally, other variants at this codon (c.4236A>C, p.Arg1412Ser; c.4237A>G, p.Arg1412Gly; c.4238G>C, p.Arg1412Thr) have been reported in individuals with neurofibromatosis and are considered pathogenic (Evans 2016, Fokkema 2011, Thomas 2012). The arginine at codon 1412 is highly conserved, and computational analyses predict that this variant is deleterious (REVEL: 0.808). Based on available information, this variant is considered to be likely pathogenic. References: Evans DG et al. Comprehensive RNA Analysis of the NF1 Gene in Classically Affected NF1 Affected Individuals Meeting NIH Criteria has High Sensitivity and Mutation Negative Testing is Reassuring in Isolated Cases With Pigmentary Features Only. EBioMedicine. 2016 May;7:212-20. Fokkema IF et al. LOVD v.2.0: the next generation in gene variant databases. Hum Mutat. 2011 May;32(5):557-63. Thomas L et al. Assessment of the potential pathogenicity of missense mutations identified in the GTPase-activating protein (GAP)-related domain of the neurofibromatosis type-1 (NF1) gene. Hum Mutat. 2012 Dec;33(12):1687-96. Upadhyaya M et al. Mutational and functional analysis of the neurofibromatosis type 1 (NF1) gene. Hum Genet. 1997 Jan;99(1):88-92.

Juno Genomics, Hangzhou Juno Genomics, Inc
Classification: Pathogenic for Neurofibromatosis, type 1. Review status: criteria provided, single submitter. Criteria: ACMG Guidelines, 2015. Collection method: clinical testing. Allele origin: germline. Affected: yes.
Comment: Absent from controls (or at extremely low frequency if recessive) in Genome Aggregation Database, Exome Sequencing Project, 1000 Genomes Project, or Exome Aggregation Consortium.;Multiple lines of computational evidence support a deleterious effect on the gene or gene product (conservation, evolutionary, splicing impact, etc).;Missense variant in a gene that has a low rate of benign missense variation and where missense variants are a common mechanism of disease.;Novel missense change at an amino acid residue where a different missense change determined to be pathogenic has been seen before.;The prevalence of the variant in affected individuals is significantly increased compared to the prevalence in controls.;Assumed de novo, but without confirmation of paternity and maternity.;Patient's phenotype or family history is highly specific for a disease with a single genetic etiology.

Clinical Molecular Genetics Laboratory, Johns Hopkins All Children's Hospital
Classification: Pathogenic for Neurofibromatosis, type 1. Last evaluated: 2016-03-29. Review status: no assertion criteria provided. Collection method: clinical testing. Allele origin: germline. Affected: yes. Not counted in ClinVar's aggregate classification.

OMIM
Classification: Pathogenic for NEUROFIBROMATOSIS, TYPE I. Last evaluated: 1997-01-01. Review status: no assertion criteria provided. Collection method: literature only. Allele origin: germline. Not counted in ClinVar's aggregate classification.

Literature cited by the submitters: PubMed 27322474 (cited by Ambry Genetics and Labcorp Genetics (formerly Invitae), Labcorp); PubMed 9003501 (cited by 3 submitters); PubMed 7581973 (cited by Labcorp Genetics (formerly Invitae), Labcorp); PubMed 16513807 (cited by Labcorp Genetics (formerly Invitae), Labcorp); PubMed 22807134 (cited by Labcorp Genetics (formerly Invitae), Labcorp).